The following is an entry in ClinVar:

NM_000426.4(LAMA2):c.3444C>A (p.Cys1148Ter)

Gene: LAMA2 (laminin subunit alpha 2; plus strand). Cytogenetic location: 6q22.33.
Variant type: single nucleotide variant.
Coding change: c.3444C>A on transcript NM_000426.4 (MANE Select); coding-DNA position 3444, C replaced by A.
Protein change: p.Cys1148Ter; replaces cysteine 1148 with a stop codon.
Molecular consequence: nonsense.
Genome position (GRCh38, 1-based): chr6:129,314,687, C>A. VCF-style: chr6-129314687-C-A. GRCh37 (hg19) VCF-style: chr6-129635832-C-A.
Other names: c.3444C>A, p.Cys1148Ter (NM_001079823.2); short protein forms C1148*.
Identifiers: ClinVar variation 983919 (VCV000983919.4), dbSNP rs1383756739, ClinGen allele CA365612244.

ClinVar aggregate classification (germline): Likely pathogenic (1 of 4 stars; one submission).

Conditions:
LAMA2-related muscular dystrophy (LAMA2-RD). Also called: Laminin alpha 2-related dystrophy. Identifiers: MedGen C5679788, MONDO:0100228.

Allele frequency attached by ClinVar (database versions not stated): TOPMed below 0.00001; gnomAD 0.00001.
gnomAD v4.1: 1 of 1,613,548 alleles (0.000062%); highest among the groups gnomAD compares: Non-Finnish European, 0.000085%; no homozygotes.

Submission:

Myriad Genetics, Inc.
Classification: Likely pathogenic for LAMA2-related muscular dystrophy. Last evaluated: 2019-12-11. Review status: criteria provided, single submitter. Criteria: Myriad Autosomal Dominant, Autosomal Recessive and X-Linked Classification Criteria (2023). Collection method: clinical testing. Allele origin: unknown.
Comment: NM_000426.3(LAMA2):c.3444C>A(C1148*) is expected to be pathogenic in the context of LAMA2-related muscular dystrophy. This variant is predicted to lead to an abnormal or absent protein product due to the creation of a premature termination codon in LAMA2, a gene where loss-of-function variants are known to be pathogenic. Please note: this variant was assessed in the context of healthy population screening.